The following is an entry in ClinVar:

NM_020738.4(KIDINS220):c.635A>G (p.Lys212Arg)

Gene: KIDINS220 (kinase D interacting substrate 220; minus strand). Cytogenetic location: 2p25.1.
Variant type: single nucleotide variant.
Coding change: c.635A>G on transcript NM_020738.4 (MANE Select); coding-DNA position 635, A replaced by G.
Protein change: p.Lys212Arg; replaces lysine 212 with arginine.
Molecular consequence: missense variant. On other transcripts: non-coding transcript variant (2).
Genome position (GRCh38, 1-based): chr2:8,803,096, T>C on the plus strand (A>G on the coding strand, the complement: KIDINS220 is on the minus strand). VCF-style: chr2-8803096-T-C. GRCh37 (hg19) VCF-style: chr2-8943226-T-C.
Other names: c.638A>G, p.Lys213Arg (NM_001348729.2, NM_001348731.2, NM_001348734.2 and 3 more transcripts); c.635A>G, p.Lys212Arg (NM_001348732.2, NM_001348735.2, NM_001348738.2 and 3 more transcripts); c.509A>G, p.Lys170Arg (NM_001348736.2); short protein forms K170R, K213R, K212R.
Identifiers: ClinVar variation 2532244 (VCV002532244.6), dbSNP rs1405174920, ClinGen allele CA345773210.

ClinVar aggregate classification (germline): Uncertain significance. Review status: criteria provided, multiple submitters, no conflicts (2 of 4 stars). 3 submissions from 3 submitters: Uncertain significance (2). 1 of the submissions does not count toward it. Last evaluated 2025-09-23.

Conditions:
KIDINS220-related disorder. Also called: KIDINS220-related condition.
Inborn genetic diseases. Identifiers: MedGen C0950123, MeSH D030342.

Allele frequency attached by ClinVar (database versions not stated): gnomAD 0.00001; gnomAD exomes 0.00001; TOPMed 0.00001.

Submissions (3):

Labcorp Genetics (formerly Invitae), Labcorp
Classification: Uncertain significance. Last evaluated: 2025-09-23. Review status: criteria provided, single submitter. Criteria: Invitae Variant Classification Sherloc (09022015). Collection method: clinical testing. Allele origin: germline.
Comment: This sequence change replaces lysine, which is basic and polar, with arginine, which is basic and polar, at codon 212 of the KIDINS220 protein (p.Lys212Arg). This variant is not present in population databases (gnomAD no frequency). This variant has not been reported in the literature in individuals affected with KIDINS220-related conditions. ClinVar contains an entry for this variant (Variation ID: 2532244). An algorithm developed to predict the effect of missense changes on protein structure and function outputs the following: PolyPhen-2: "Benign". The arginine amino acid residue is found in multiple mammalian species, which suggests that this missense change does not adversely affect protein function. In summary, the available evidence is currently insufficient to determine the role of this variant in disease. Therefore, it has been classified as a Variant of Uncertain Significance.

Ambry Genetics
Classification: Uncertain significance for Inborn genetic diseases. Last evaluated: 2025-07-16. Review status: criteria provided, single submitter. Criteria: Ambry Variant Classification Scheme 2023. Collection method: clinical testing. Allele origin: germline.

PreventionGenetics, part of Exact Sciences
Classification: Uncertain significance for KIDINS220-related condition. Last evaluated: 2024-05-02. Review status: no assertion criteria provided. Collection method: clinical testing. Allele origin: germline. Not counted in ClinVar's aggregate classification.
Comment: The KIDINS220 c.635A>G variant is predicted to result in the amino acid substitution p.Lys212Arg. To our knowledge, this variant has not been reported in the literature or in a large population database, indicating this variant is rare. At this time, the clinical significance of this variant is uncertain due to the absence of conclusive functional and genetic evidence.